The following is an entry in ClinVar:

ClinVar aggregate classification (germline): Conflicting classifications of pathogenicity. Review status: criteria provided, conflicting classifications (1 of 4 stars). 3 submissions from 3 submitters: Likely pathogenic (1); Uncertain significance (2). Last evaluated 2026-08-12.

Conditions:
Autosomal dominant nonsyndromic hearing loss 2A. Also called: Autosomal dominant nonsyndromic deafness 2A; DFNA2 Nonsyndromic Hearing Loss; Deafness, autosomal dominant 2A. Identifiers: Orphanet 90635, MedGen C2677637, MONDO:0010817, OMIM 600101.

Allele frequency attached by ClinVar (database versions not stated): gnomAD exomes below 0.00001; gnomAD 0.00001.

Submissions (3):

GeneDx
Classification: Uncertain significance. Last evaluated: 2026-08-12. Review status: criteria provided, single submitter. Criteria: GeneDx Variant Classification Process June 2021. Collection method: clinical testing. Allele origin: germline.
Comment: Identified in patients with sensorineural hearing loss in published literature, however, available clinical information is limited (PMID: 34599366, 32382995); Not observed at significant frequency in large population cohorts (gnomAD); In silico analysis supports that this missense variant has a deleterious effect on protein structure/function; This variant is associated with the following publications: (PMID: 32382995, 34599366)

Labcorp Genetics (formerly Invitae), Labcorp
Classification: Uncertain significance. Last evaluated: 2025-09-24. Review status: criteria provided, single submitter. Criteria: Invitae Variant Classification Sherloc (09022015). Collection method: clinical testing. Allele origin: germline.
Comment: This sequence change replaces tyrosine, which is neutral and polar, with cysteine, which is neutral and slightly polar, at codon 257 of the KCNQ4 protein (p.Tyr257Cys). This variant is present in population databases (no rsID available, gnomAD 0.007%). This missense change has been observed in individual(s) with autosomal dominant non-syndromic deafness (PMID: 32382995). ClinVar contains an entry for this variant (Variation ID: 1905810). Invitae Evidence Modeling of protein sequence and biophysical properties (such as structural, functional, and spatial information, amino acid conservation, physicochemical variation, residue mobility, and thermodynamic stability) indicates that this missense variant is expected to disrupt KCNQ4 protein function with a positive predictive value of 95%. In summary, the available evidence is currently insufficient to determine the role of this variant in disease. Therefore, it has been classified as a Variant of Uncertain Significance.

Clinical Genetics Service, Universitary Hospital 12 de Octubre
Classification: Likely pathogenic for Autosomal dominant nonsyndromic hearing loss 2A. Review status: criteria provided, single submitter. Criteria: ACMG Guidelines, 2015. Collection method: clinical testing. Allele origin: germline. Affected: yes.

Literature cited by the submitters: PubMed 32382995 (cited by Labcorp Genetics (formerly Invitae), Labcorp).

NM_004700.4(KCNQ4):c.770A>G (p.Tyr257Cys)

Gene: KCNQ4 (potassium voltage-gated channel subfamily Q member 4; plus strand). Cytogenetic location: 1p34.2.
Variant type: single nucleotide variant.
Coding change: c.770A>G on transcript NM_004700.4 (MANE Select); coding-DNA position 770, A replaced by G.
Protein change: p.Tyr257Cys; replaces tyrosine 257 with cysteine.
Molecular consequence: missense variant.
Genome position (GRCh38, 1-based): chr1:40,819,408, A>G. VCF-style: chr1-40819408-A-G. GRCh37 (hg19) VCF-style: chr1-41285080-A-G.
Other names: c.770A>G, p.Tyr257Cys (NM_172163.3); c.770A>G (NM_004700.3); short protein forms Y257C.
Identifiers: ClinVar variation 1905810 (VCV001905810.8), dbSNP rs1452581149, ClinGen allele CA339895525.
Genomic context (GRCh38, chr1:40,819,408, plus strand): 5'-AGCTGATCACCGCCTGGTACATCGGGTTCCTGGTGCTCATCTTCGCCTCCTTCCTGGTCT[A>G]CCTGGCTGAGAAGGACGCCAACTCCGACTTCTCCTCCTACGCCGACTCGCTCTGGTGGGG-3'
Protein context (NP_004691.2, residues 247-267): LVLIFASFLV[Tyr257Cys]LAEKDANSDF